The following is an entry in ClinVar:

NM_003884.5(KAT2B):c.1301C>G (p.Ser434Cys)

Gene: KAT2B (lysine acetyltransferase 2B; plus strand). Cytogenetic location: 3p24.3.
Variant type: single nucleotide variant.
Coding change: c.1301C>G on transcript NM_003884.5 (MANE Select); coding-DNA position 1301, C replaced by G.
Protein change: p.Ser434Cys; replaces serine 434 with cysteine.
Molecular consequence: missense variant.
Genome position (GRCh38, 1-based): chr3:20,122,692, C>G. VCF-style: chr3-20122692-C-G. GRCh37 (hg19) VCF-style: chr3-20164184-C-G.
Other names: short protein forms S434C.
Identifiers: ClinVar variation 3352971 (VCV003352971.1).

ClinVar aggregate classification (germline): Uncertain significance (0 of 4 stars; one submission).

Conditions:
KAT2B-related disorder. Also called: KAT2B-related condition.

gnomAD v4.1: 163 of 1,613,754 alleles (0.01%); highest among the groups gnomAD compares: African/African-American, 0.19%; no homozygotes.

Submission:

PreventionGenetics, part of Exact Sciences
Classification: Uncertain significance for KAT2B-related condition. Last evaluated: 2024-09-26. Review status: no assertion criteria provided. Collection method: clinical testing. Allele origin: germline.
Comment: The KAT2B c.1301C>G variant is predicted to result in the amino acid substitution p.Ser434Cys. To our knowledge, this variant has not been reported in the literature. This variant is reported in 0.13% of alleles in individuals of African descent in gnomAD, which may be too frequent for a disease-causing variant. Although we suspect that this variant may be benign, at this time, the clinical significance of this variant is uncertain due to the absence of conclusive functional and genetic evidence.